The following is an entry in ClinVar:

NM_005055.5(RAPSN):c.1177_1178del (p.Asn393fs)

Gene: RAPSN (receptor associated protein of the synapse; minus strand). Cytogenetic location: 11p11.2.
Variant type: Deletion.
Coding change: c.1177_1178del on transcript NM_005055.5 (MANE Select); coding-DNA positions 1177 to 1178, 2 bases deleted (AA; older notation c.1177_1178delAA).
Protein change: p.Asn393fs; shifts the reading frame from asparagine 393.
Molecular consequence: frameshift variant.
Genome position (GRCh38, 1-based): chr11:47,438,036-47,438,037, TT deleted on the plus strand (AA on the coding strand, the reverse complement: RAPSN is on the minus strand). VCF-style (leftmost placement, unchanged base first): chr11-47438035-GTT-G. GRCh37 (hg19) VCF-style: chr11-47459586-GTT-G.
Other names: c.1000_1001del, p.Asn334fs (NM_032645.5); c.1177_1178delAA (NM_005055.5, NM_005055.4); short protein forms N393fs, N334fs.
Identifiers: ClinVar variation 545747 (VCV000545747.46), dbSNP rs1555142142, ClinGen allele CA474217344.

ClinVar aggregate classification (germline): Pathogenic. Review status: criteria provided, multiple submitters, no conflicts (2 of 4 stars). 9 submissions from 8 submitters: Pathogenic (7). 2 of the submissions do not count toward it. Last evaluated 2025-12-19.

Conditions:
Congenital myasthenic syndrome 11. Also called: MYASTHENIC SYNDROME, CONGENITAL, Ie; Myasthenic syndrome, congenital, 11, associated with acetylcholine receptor deficiency. Identifiers: Orphanet 590, MedGen C4225367, MONDO:0014588, OMIM 616326.
Fetal akinesia deformation sequence 2. Identifiers: MedGen C4760576, MONDO:0100102, OMIM 618388.
Congenital myasthenic syndrome (CMS). Also called: Congenital Myasthenic Syndromes. Identifiers: Orphanet 590, MedGen C0751882, MeSH D020294, MONDO:0018940.
RAPSN-related disorder. Also called: RAPSN-related condition; RAPSN-related disorders. Identifiers: MedGen CN239397.
Fetal akinesia deformation sequence 1 (FADS1). Also called: Pena-Shokeir syndrome type I; Fetal akinesia sequence. Identifiers: Orphanet 994, MedGen C1276035, MONDO:0100101, OMIM 208150, HP:0001989.

Allele frequency attached by ClinVar (database versions not stated): gnomAD 0.00001; gnomAD exomes 0.00003.

Submissions (9):

Labcorp Genetics (formerly Invitae), Labcorp
Classification: Pathogenic for Congenital myasthenic syndrome 11; Fetal akinesia deformation sequence 1. Last evaluated: 2025-12-19. Review status: criteria provided, single submitter. Criteria: Invitae Variant Classification Sherloc (09022015). Collection method: clinical testing. Allele origin: germline.
Comment: This sequence change is expected to alter the c-terminus of the RAPSN protein (p.Asn393Glnfs*83). While this is not anticipated to result in nonsense mediated decay, it is expected to disrupt the last 20 amino acid(s) of the RAPSN protein and extend the protein by 62 additional amino acid residues. This variant is not present in population databases (gnomAD no frequency). This frameshift has been observed in individual(s) with RAPSN-related conditions (PMID: 14504330, 15036330, 18179903). In at least one individual the data is consistent with being in trans (on the opposite chromosome) from a pathogenic variant. It has also been observed to segregate with disease in related individuals. This variant is also known as 1177delAA. ClinVar contains an entry for this variant (Variation ID: 545747). For these reasons, this variant has been classified as Pathogenic.

Women's Health and Genetics/Laboratory Corporation of America, LabCorp
Classification: Pathogenic for RAPSN-related disorder. Last evaluated: 2025-07-24. Review status: criteria provided, single submitter. Criteria: LabCorp Variant Classification Summary - May 2015. Collection method: clinical testing. Allele origin: germline.
Comment: Variant summary: RAPSN c.1177_1178delAA (p.Asn393GlnfsX83) causes a frameshift which results in an extension of the protein. The variant was absent in 155928 control chromosomes. c.1177_1178delAA has been observed in multiple individuals affected with RAPSN-Related Disorders (example: Vogt_2008). It has also been observed to segregate with disease in related individuals. These data indicate that the variant is very likely to be associated with disease. The following publication has been ascertained in the context of this evaluation (PMID: 18179903).ClinVar contains an entry for this variant (Variation ID: 545747). Based on the evidence outlined above, the variant was classified as pathogenic.

Natera, Inc.
Classification: Pathogenic for Congenital myasthenic syndrome. Last evaluated: 2025-05-15. Review status: criteria provided, single submitter. Criteria: Natera Variant Classification Schema (03/2026). Collection method: clinical testing. Allele origin: germline.
Comment: The c.1177_1178delAA variant in RAPSN is a frameshift variant predicted to elongate the protein beyond the termination codon. This variant may result in a truncated or dysfunctional protein product. This variant is rare in the general population with a frequency below the threshold expected for the associated phenotype(s). This variant has been observed in one or more individuals affected with the associated recessive disease, as either homozygous or compound heterozygous with a second variant (PMID: 18179903, 22678886, 15036330). Additionally, this variant has been observed to segregate in affected family members (PMID: 18179903). Functional studies show that this variant may disrupt protein function (PMID: 18179903). Given the available evidence, this variant is classified as Pathogenic.

Myriad Genetics, Inc.
Classification: Pathogenic for RAPSN-related disorder. Last evaluated: 2025-02-03. Review status: criteria provided, single submitter. Criteria: Myriad Autosomal Dominant, Autosomal Recessive and X-Linked Classification Criteria (2023). Collection method: clinical testing. Allele origin: unknown.
Comment: NM_005055.4(RAPSN):c.1177_1178delAA(N393Qfs*83) is a frameshift variant that results in protein elongation classified as pathogenic in the context of RAPSN-related disorders. N393Qfs*83 has been observed in cases with relevant disease (PMID: 15036330, 19620612, 18179903, 14504330). Relevant functional assessments of this variant are available in the literature (PMID: 18179903). N393Qfs*83 has not been observed in referenced population frequency databases. In summary, NM_005055.4(RAPSN):c.1177_1178delAA(N393Qfs*83) is a frameshift variant that results in protein elongation that has been observed more frequently in cases with the relevant disease than in healthy populations. Please note: this variant was assessed in the context of healthy population screening.

GeneDx
Classification: Pathogenic. Last evaluated: 2023-12-06. Review status: criteria provided, single submitter. Criteria: GeneDx Variant Classification Process June 2021. Collection method: clinical testing. Allele origin: germline. Affected: yes.
Comment: Frameshift variant predicted to result in abnormal protein length as the last 20 amino acids are replaced with 82 different amino acids, and other similar variants have been reported in HGMD; Not observed at significant frequency in large population cohorts (gnomAD); This variant is associated with the following publications: (PMID: 22482962, 18179903, 18567858, 14729848, 19620612, 22678886, 15036330, 14504330)

CeGaT Center for Human Genetics Tuebingen
Classification: Pathogenic. Last evaluated: 2022-04-01. Review status: criteria provided, single submitter. Criteria: CeGaT Center For Human Genetics Tuebingen Variant Classification Criteria Version 2. Collection method: clinical testing. Allele origin: germline. Affected: yes. Observed: 1 variant allele.
Comment: RAPSN: PS4, PM2, PM4, PP1, PP4

Fulgent Genetics
Classification: Pathogenic for Congenital myasthenic syndrome 11; Fetal akinesia deformation sequence 2. Last evaluated: 2022-03-21. Review status: criteria provided, single submitter. Criteria: ACMG Guidelines, 2015. Collection method: clinical testing. Allele origin: unknown.

OMIM
Classification: Pathogenic for FETAL AKINESIA DEFORMATION SEQUENCE 2. Last evaluated: 2008-01-01. Review status: no assertion criteria provided. Collection method: literature only. Allele origin: germline. Not counted in ClinVar's aggregate classification.

OMIM
Classification: Pathogenic for MYASTHENIC SYNDROME, CONGENITAL, 11, ASSOCIATED WITH ACETYLCHOLINE RECEPTOR DEFICIENCY. Last evaluated: 2008-01-01. Review status: no assertion criteria provided. Collection method: literature only. Allele origin: germline. Not counted in ClinVar's aggregate classification.

Literature cited by the submitters: PubMed 14504330 (cited by 3 submitters); PubMed 15036330 (cited by 3 submitters); PubMed 18179903 (cited by 5 submitters); PubMed 22678886 (cited by Natera, Inc.); PubMed 19620612 (cited by Myriad Genetics, Inc.).